The following is an entry in ClinVar:

NM_001122681.2(SH3BP2):c.1275C>A (p.Ser425Arg)

Gene: SH3BP2 (SH3 domain binding protein 2; plus strand). Cytogenetic location: 4p16.3.
Variant type: single nucleotide variant.
Coding change: c.1275C>A on transcript NM_001122681.2 (MANE Select); coding-DNA position 1275, C replaced by A.
Protein change: p.Ser425Arg; replaces serine 425 with arginine.
Molecular consequence: missense variant.
Genome position (GRCh38, 1-based): chr4:2,831,604, C>A. VCF-style: chr4-2831604-C-A. GRCh37 (hg19) VCF-style: chr4-2833331-C-A.
Other names: c.1359C>A, p.Ser453Arg (NM_001145855.2); c.1446C>A, p.Ser482Arg (NM_001145856.2); c.1275C>A, p.Ser425Arg (NM_003023.4); short protein forms S425R, S453R, S482R.
Identifiers: ClinVar variation 1430978 (VCV001430978.8), dbSNP rs972728940, ClinGen allele CA91412370.

ClinVar aggregate classification (germline): Uncertain significance (1 of 4 stars; one submission).

Conditions:
Fibrous dysplasia of jaw (CRBM). Also called: Cherubism. Identifiers: Orphanet 184, MedGen C0008029, MONDO:0007315, OMIM 118400.

Allele frequency attached by ClinVar (database versions not stated): gnomAD exomes below 0.00001.

Submission:

Labcorp Genetics (formerly Invitae), Labcorp
Classification: Uncertain significance for Fibrous dysplasia of jaw. Last evaluated: 2022-08-15. Review status: criteria provided, single submitter. Criteria: Invitae Variant Classification Sherloc (09022015). Collection method: clinical testing. Allele origin: germline.
Comment: In summary, the available evidence is currently insufficient to determine the role of this variant in disease. Therefore, it has been classified as a Variant of Uncertain Significance. Algorithms developed to predict the effect of missense changes on protein structure and function (SIFT, PolyPhen-2, Align-GVGD) all suggest that this variant is likely to be tolerated. ClinVar contains an entry for this variant (Variation ID: 1430978). This variant has not been reported in the literature in individuals affected with SH3BP2-related conditions. The frequency data for this variant in the population databases is considered unreliable, as metrics indicate poor data quality at this position in the gnomAD database. This sequence change replaces serine, which is neutral and polar, with arginine, which is basic and polar, at codon 425 of the SH3BP2 protein (p.Ser425Arg).